The following is an entry in ClinVar:

NM_004995.4(MMP14):c.142G>A (p.Gly48Arg)

Gene: MMP14 (matrix metallopeptidase 14; plus strand). Cytogenetic location: 14q11.2.
Variant type: single nucleotide variant.
Coding change: c.142G>A on transcript NM_004995.4 (MANE Select); coding-DNA position 142, G replaced by A.
Protein change: p.Gly48Arg; replaces glycine 48 with arginine.
Molecular consequence: missense variant.
Genome position (GRCh38, 1-based): chr14:22,841,524, G>A. VCF-style: chr14-22841524-G-A. GRCh37 (hg19) VCF-style: chr14-23310733-G-A.
Other names: short protein forms G48R.
Identifiers: ClinVar variation 2964995 (VCV002964995.3), dbSNP rs780006498, ClinGen allele CA7105093.
Genomic context (GRCh38, chr14:22,841,524, plus strand): 5'-CTCTAAGCCATACCCCTTTCCCTACAGGCCTGGCTACAGCAATATGGCTACCTGCCTCCC[G>A]GGGACCTACGTACCCACACACAGCGCTCACCCCAGTCACTCTCAGCGGCCATCGCTGCCA-3'
Protein context (NP_004986.1, residues 38-58): WLQQYGYLPP[Gly48Arg]DLRTHTQRSP

ClinVar aggregate classification (germline): Uncertain significance (1 of 4 stars; one submission).

Allele frequency attached by ClinVar (database versions not stated): gnomAD exomes 0.00002.

Submission:

Labcorp Genetics (formerly Invitae), Labcorp
Classification: Uncertain significance. Last evaluated: 2023-12-22. Review status: criteria provided, single submitter. Criteria: Invitae Variant Classification Sherloc (09022015). Collection method: clinical testing. Allele origin: germline.
Comment: This sequence change replaces glycine, which is neutral and non-polar, with arginine, which is basic and polar, at codon 48 of the MMP14 protein (p.Gly48Arg). This variant is present in population databases (rs780006498, gnomAD 0.003%). This variant has not been reported in the literature in individuals affected with MMP14-related conditions. Advanced modeling of protein sequence and biophysical properties (such as structural, functional, and spatial information, amino acid conservation, physicochemical variation, residue mobility, and thermodynamic stability) performed at Invitae indicates that this missense variant is not expected to disrupt MMP14 protein function with a negative predictive value of 80%. In summary, the available evidence is currently insufficient to determine the role of this variant in disease. Therefore, it has been classified as a Variant of Uncertain Significance.